The following is an entry in ClinVar:

ClinVar aggregate classification (germline): Uncertain significance. Review status: criteria provided, multiple submitters, no conflicts (2 of 4 stars). 3 submissions from 3 submitters: Uncertain significance (3). Last evaluated 2024-06-25.

Conditions:
Eichsfeld type congenital muscular dystrophy (CMYO3). Also called: Rigid spine muscular dystrophy 1; MYOPATHY, SEPN1-RELATED; SELENON-related myopathy; Congenital myopathy 3 with rigid spine. Identifiers: MedGen C0410180, MONDO:0100100, OMIM 602771.

Allele frequency attached by ClinVar (database versions not stated): ExAC 0.00001; gnomAD 0.00001; gnomAD exomes 0.00001; TOPMed 0.00002.
gnomAD v4.1: 13 of 1,614,022 alleles (0.00081%); highest among the groups gnomAD compares: Non-Finnish European, 0.0011%; no homozygotes.

Submissions (3):

Mayo Clinic Laboratories, Mayo Clinic
Classification: Uncertain significance. Last evaluated: 2024-06-25. Review status: criteria provided, single submitter. Criteria: ACMG Guidelines, 2015. Collection method: clinical testing. Allele origin: germline. Observed: 1 variant allele.

Revvity Omics, Revvity
Classification: Uncertain significance for Eichsfeld type congenital muscular dystrophy. Last evaluated: 2024-02-21. Review status: criteria provided, single submitter. Criteria: ACMG Guidelines, 2015. Collection method: clinical testing. Allele origin: germline.

Labcorp Genetics (formerly Invitae), Labcorp
Classification: Uncertain significance for Eichsfeld type congenital muscular dystrophy. Last evaluated: 2022-08-15. Review status: criteria provided, single submitter. Criteria: Invitae Variant Classification Sherloc (09022015). Collection method: clinical testing. Allele origin: germline.
Comment: This sequence change replaces glycine, which is neutral and non-polar, with arginine, which is basic and polar, at codon 69 of the SELENON protein (p.Gly69Arg). In summary, the available evidence is currently insufficient to determine the role of this variant in disease. Therefore, it has been classified as a Variant of Uncertain Significance. Algorithms developed to predict the effect of missense changes on protein structure and function are either unavailable or do not agree on the potential impact of this missense change (SIFT: "Deleterious"; PolyPhen-2: "Probably Damaging"; Align-GVGD: "Class C0"). ClinVar contains an entry for this variant (Variation ID: 965987). This variant has not been reported in the literature in individuals affected with SELENON-related conditions. This variant is present in population databases (rs779935621, gnomAD 0.002%).

NM_206926.2(SELENON):c.205G>C (p.Gly69Arg)

Gene: SELENON (selenoprotein N; plus strand). Cytogenetic location: 1p36.11.
Variant type: single nucleotide variant.
Coding change: c.205G>C on transcript NM_206926.2 (MANE Select); coding-DNA position 205, G replaced by C.
Protein change: p.Gly69Arg; replaces glycine 69 with arginine.
Molecular consequence: missense variant.
Genome position (GRCh38, 1-based): chr1:25,801,064, G>C. VCF-style: chr1-25801064-G-C. GRCh37 (hg19) VCF-style: chr1-26127555-G-C.
Other names: p.Gly69Arg; c.205G>C, p.Gly69Arg (NM_020451.3); short protein forms G69R.
Identifiers: ClinVar variation 965987 (VCV000965987.10), dbSNP rs779935621, ClinGen allele CA696447.